The following is an entry in ClinVar:

NM_018979.4(WNK1):c.865T>C (p.Ser289Pro)

Gene: WNK1 (WNK lysine deficient protein kinase 1; plus strand). Cytogenetic location: 12p13.33.
Variant type: single nucleotide variant.
Coding change: c.865T>C on transcript NM_018979.4 (MANE Select); coding-DNA position 865, T replaced by C.
Protein change: p.Ser289Pro; replaces serine 289 with proline.
Molecular consequence: missense variant.
Genome position (GRCh38, 1-based): chr12:813,747, T>C. VCF-style: chr12-813747-T-C. GRCh37 (hg19) VCF-style: chr12-922913-T-C.
Other names: p.Ser289Pro; c.865T>C, p.Ser289Pro (NM_001184985.2, NM_014823.3, NM_213655.5); short protein forms S289P.
Identifiers: ClinVar variation 570453 (VCV000570453.42), dbSNP rs200234585, ClinGen allele CA6381854.
Genomic context (GRCh38, chr12:813,747, plus strand): 5'-GCTGAAATGTTAAAAGGTCTTCAGCATCCCAATATTGTTAGATTTTATGATTCCTGGGAA[T>C]CCACAGTAAAAGGAAAGAAGTGCATTGTTTTGGTGACTGAACTTATGACGTCTGGAACAC-3'
Protein context (NP_061852.3, residues 279-299): NIVRFYDSWE[Ser289Pro]TVKGKKCIVL

ClinVar aggregate classification (germline): Conflicting classifications of pathogenicity. Review status: criteria provided, conflicting classifications (1 of 4 stars). 8 submissions from 8 submitters: Uncertain significance (7); Likely benign (1). Last evaluated 2026-09-09.

Conditions:
WNK1-related disorder. Also called: WNK1-related condition.
Neuropathy, hereditary sensory and autonomic, type 2A (HSAN2A). Also called: WNK1-Related HSAN2 (HSAN2A); ACROOSTEOLYSIS, GIACCAI TYPE; ACROOSTEOLYSIS, NEUROGENIC; MORVAN DISEASE; NEUROPATHY, CONGENITAL SENSORY; NEUROPATHY, HEREDITARY SENSORY RADICULAR, AUTOSOMAL RECESSIVE. Identifiers: Orphanet 970, MedGen C2752089, MONDO:0024309, OMIM 201300.
Pseudohypoaldosteronism type 2C (PHA2C). Also called: Pseudohypoaldosteronism Type IIC. Identifiers: Orphanet 757, Orphanet 88940, MedGen C1840391, MONDO:0013778, OMIM 614492.
Inborn genetic diseases. Identifiers: MedGen C0950123, MeSH D030342.

Allele frequency attached by ClinVar (database versions not stated): ExAC 0.00007; gnomAD exomes 0.00012; TOPMed 0.00016; gnomAD 0.00021 and 0.00022.
gnomAD v4.1: 462 of 1,613,898 alleles (0.029%); highest among the groups gnomAD compares: Non-Finnish European, 0.037%; no homozygotes.

Submissions (8):

PreventionGenetics, part of Exact Sciences
Classification: Uncertain significance for WNK1-related condition. Last evaluated: 2026-09-09. Review status: criteria provided, single submitter. Criteria: ACMG Guidelines, 2015. Collection method: clinical testing. Allele origin: germline.
Comment: The WNK1 c.865T>C variant is predicted to result in the amino acid substitution p.Ser289Pro. To our knowledge, this variant has not been reported in the literature. This variant is reported in 0.019% of alleles in individuals of European (Non-Finnish) descent in gnomAD. Although we suspect that this variant may be benign, at this time, the clinical significance of this variant is uncertain due to the absence of conclusive functional and genetic evidence.

Labcorp Genetics (formerly Invitae), Labcorp
Classification: Likely benign for Neuropathy, hereditary sensory and autonomic, type 2A; Pseudohypoaldosteronism type 2C. Last evaluated: 2025-11-13. Review status: criteria provided, single submitter. Criteria: Invitae Variant Classification Sherloc (09022015). Collection method: clinical testing. Allele origin: germline.

Women's Health and Genetics/Laboratory Corporation of America, LabCorp
Classification: Uncertain significance. Last evaluated: 2024-12-26. Review status: criteria provided, single submitter. Criteria: LabCorp Variant Classification Summary - May 2015. Collection method: clinical testing. Allele origin: germline.
Comment: Variant summary: WNK1 c.865T>C (p.Ser289Pro) results in a non-conservative amino acid change located in the Serine/Threonine protein kinases, catalytic domain (IPR000719) of the encoded protein sequence. Three of four in-silico tools predict a damaging effect of the variant on protein function. The variant allele was found at a frequency of 0.00012 in 251280 control chromosomes. This frequency is not significantly higher than estimated for a pathogenic variant in WNK1 causing Neuropathy, hereditary sensory and autonomic, type 2A (0.00012 vs 0.0011), allowing no conclusion about variant significance. To our knowledge, no occurrence of c.865T>C in individuals affected with Neuropathy, hereditary sensory and autonomic, type 2A and no experimental evidence demonstrating its impact on protein function have been reported. ClinVar contains an entry for this variant (Variation ID: 570453). Based on the evidence outlined above, the variant was classified as uncertain significance.

Blueprint Genetics
Classification: Uncertain significance. Last evaluated: 2024-11-27. Review status: criteria provided, single submitter. Criteria: ACMG Guidelines, 2015. Collection method: clinical testing. Allele origin: germline.

CeGaT Center for Human Genetics Tuebingen
Classification: Uncertain significance. Last evaluated: 2024-03-01. Review status: criteria provided, single submitter. Criteria: CeGaT Center For Human Genetics Tuebingen Variant Classification Criteria Version 2. Collection method: clinical testing. Allele origin: germline. Affected: yes. Observed: 1 variant allele.
Comment: WNK1: PM2, PP2

Ambry Genetics
Classification: Uncertain significance for Inborn genetic diseases. Last evaluated: 2023-06-23. Review status: criteria provided, single submitter. Criteria: Ambry Variant Classification Scheme 2023. Collection method: clinical testing. Allele origin: germline.

Mayo Clinic Laboratories, Mayo Clinic
Classification: Uncertain significance. Last evaluated: 2022-10-28. Review status: criteria provided, single submitter. Criteria: ACMG Guidelines, 2015. Collection method: clinical testing. Allele origin: germline. Observed: 1 variant allele.
Comment: PM2

Fulgent Genetics
Classification: Uncertain significance for Neuropathy, hereditary sensory and autonomic, type 2A; Pseudohypoaldosteronism type 2C. Last evaluated: 2018-10-31. Review status: criteria provided, single submitter. Criteria: ACMG Guidelines, 2015. Collection method: clinical testing. Allele origin: unknown.